The following is an entry in ClinVar:

NM_001081.4(CUBN):c.4753C>T (p.Gln1585Ter)

Gene: CUBN (cubilin; minus strand). Cytogenetic location: 10p13.
Variant type: single nucleotide variant.
Coding change: c.4753C>T on transcript NM_001081.4 (MANE Select); coding-DNA position 4753, C replaced by T.
Protein change: p.Gln1585Ter; replaces glutamine 1585 with a stop codon.
Molecular consequence: nonsense.
Genome position (GRCh38, 1-based): chr10:16,954,491, G>A on the plus strand (C>T on the coding strand, the complement: CUBN is on the minus strand). VCF-style: chr10-16954491-G-A. GRCh37 (hg19) VCF-style: chr10-16996490-G-A.
Other names: short protein forms Q1585*.
Identifiers: ClinVar variation 3338412 (VCV003338412.1).
Genomic context (GRCh38, chr10:16,954,491, plus strand): 5'-GGCCAGACTGAAATCTCAAGAAGAGGCTGTTTCCTGAGGAGACGATGGGGTTAGCCAGCT[G>A]CTCCCTTCCACACGTCCTGGCAAGGCGGGACATTGTGGAGCTTAAGCCATCGTATGCCTA-3'

ClinVar aggregate classification (germline): Pathogenic (1 of 4 stars; one submission).

Conditions:
Proteinuria, chronic benign. Identifiers: MedGen C5394384, MONDO:0030042, OMIM 618884.

gnomAD v4.1: 8 of 1,613,934 alleles (0.0005%); highest among the groups gnomAD compares: Admixed American, 0.0033%; no homozygotes.

Submission:

MVZ Medizinische Genetik Mainz
Classification: Pathogenic for Proteinuria, chronic benign. Last evaluated: 2024-07-30. Review status: criteria provided, single submitter. Criteria: UK Practice Guidelines For Variant Classification V4 01 2020. Collection method: clinical testing. Allele origin: germline. Inheritance: Autosomal recessive inheritance. Affected: yes. Observed: 1 variant allele.
Comment: ACMG Criteria: PVS1,PM3,PM2_SUP,PP4; Compound Heterozygote